The following is an entry in ClinVar:

ClinVar aggregate classification (germline): Uncertain significance (1 of 4 stars; one submission).

Conditions:
Congenital myasthenic syndrome 12 (CMS12). Also called: Myasthenia, congenital, 12, with tubular aggregates; MYASTHENIC SYNDROME, CONGENITAL, WITH TUBULAR AGGREGATES 1. Identifiers: Orphanet 353327, Orphanet 590, MedGen C3552335, MONDO:0012518, OMIM 610542.

Submission:

Labcorp Genetics (formerly Invitae), Labcorp
Classification: Uncertain significance for Congenital myasthenic syndrome 12. Last evaluated: 2026-02-01. Review status: criteria provided, single submitter. Criteria: Invitae Variant Classification Sherloc (09022015). Collection method: clinical testing. Allele origin: germline.
Comment: This sequence change replaces glutamine, which is neutral and polar, with arginine, which is basic and polar, at codon 333 of the GFPT1 protein (p.Gln333Arg). This variant is not present in population databases (gnomAD no frequency). This variant has not been reported in the literature in individuals affected with GFPT1-related conditions. Invitae Evidence Modeling of protein sequence and biophysical properties (such as structural, functional, and spatial information, amino acid conservation, physicochemical variation, residue mobility, and thermodynamic stability) indicates that this missense variant is not expected to disrupt GFPT1 protein function with a negative predictive value of 80%. In summary, the available evidence is currently insufficient to determine the role of this variant in disease. Therefore, it has been classified as a Variant of Uncertain Significance.

NM_001244710.2(GFPT1):c.998A>G (p.Gln333Arg)

Gene: GFPT1 (glutamine--fructose-6-phosphate transaminase 1; minus strand). Cytogenetic location: 2p13.3.
Variant type: single nucleotide variant.
Coding change: c.998A>G on transcript NM_001244710.2 (MANE Select); coding-DNA position 998, A replaced by G.
Protein change: p.Gln333Arg; replaces glutamine 333 with arginine.
Molecular consequence: missense variant.
Genome position (GRCh38, 1-based): chr2:69,348,182, T>C on the plus strand (A>G on the coding strand, the complement: GFPT1 is on the minus strand). VCF-style: chr2-69348182-T-C. GRCh37 (hg19) VCF-style: chr2-69575314-T-C.
Other names: c.944A>G, p.Gln315Arg (NM_002056.4); short protein forms Q333R, Q315R.
Identifiers: ClinVar variation 4739942 (VCV004739942.1).